The following is an entry in ClinVar:

NC_000023.10:g.(?_46466387)_(46739204_?)dup

Genes: RP2 (RP2 activator of ARL3 GTPase; plus strand), SLC9A7 (solute carrier family 9 member A7; minus strand). Cytogenetic location: Xp11.23.
Variant type: Duplication.
Identifiers: ClinVar variation 2425661 (VCV002425661.3).

ClinVar aggregate classification (germline): Uncertain significance (1 of 4 stars; one submission).

Submission:

Labcorp Genetics (formerly Invitae), Labcorp
Classification: Uncertain significance. Last evaluated: 2022-07-26. Review status: criteria provided, single submitter. Criteria: Invitae Variant Classification Sherloc (09022015). Collection method: clinical testing. Allele origin: germline.
Comment: A copy number gain of the genomic region encompassing the full coding sequence of the RP2 gene has been identified. The boundaries of this event are unknown as they extend beyond the assayed region for this gene and therefore may encompass additional genes. As the precise location of this event is unknown, it may be in tandem or it may be located elsewhere in the genome. This variant has not been reported in the literature in individuals affected with RP2-related conditions. In summary, the available evidence is currently insufficient to determine the role of this variant in disease. Therefore, it has been classified as a Variant of Uncertain Significance.